The following is an entry in ClinVar:

NM_001204.7(BMPR2):c.1381A>G (p.Lys461Glu)

Gene: BMPR2 (bone morphogenetic protein receptor type 2; plus strand). Cytogenetic location: 2q33.2.
Variant type: single nucleotide variant.
Coding change: c.1381A>G on transcript NM_001204.7 (MANE Select); coding-DNA position 1381, A replaced by G.
Protein change: p.Lys461Glu; replaces lysine 461 with glutamic acid.
Molecular consequence: missense variant.
Genome position (GRCh38, 1-based): chr2:202,542,415, A>G. VCF-style: chr2-202542415-A-G. GRCh37 (hg19) VCF-style: chr2-203407138-A-G.
Other names: short protein forms K461E.
Identifiers: ClinVar variation 4214509 (VCV004214509.1).

ClinVar aggregate classification (germline): Uncertain significance (1 of 4 stars; one submission).

Conditions:
Inborn genetic diseases. Identifiers: MedGen C0950123, MeSH D030342.

gnomAD v4.1: 1 of 1,614,106 alleles (0.000062%); highest among the groups gnomAD compares: Non-Finnish European, 0.000085%; no homozygotes.

Submission:

Ambry Genetics
Classification: Uncertain significance for Inborn genetic diseases. Last evaluated: 2025-08-20. Review status: criteria provided, single submitter. Criteria: Ambry Variant Classification Scheme 2023. Collection method: clinical testing. Allele origin: germline.
Comment: The p.K461E variant (also known as c.1381A>G), located in coding exon 10 of the BMPR2 gene, results from an A to G substitution at nucleotide position 1381. The lysine at codon 461 is replaced by glutamic acid, an amino acid with similar properties. This amino acid position is conserved. In addition, the in silico prediction for this alteration is inconclusive. Based on the available evidence, the clinical significance of this variant remains unclear.